The following is an entry in ClinVar:

ClinVar aggregate classification (germline): Benign/Likely benign. Review status: criteria provided, multiple submitters, no conflicts (2 of 4 stars). 10 submissions from 10 submitters: Benign (4); Likely benign (4). 2 of the submissions do not count toward it. Last evaluated 2026-06-01.

Conditions:
Orofacial-digital syndrome IV (OFD4). Also called: BARAITSER-BURN SYNDROME; MOHR-MAJEWSKI SYNDROME; Orofaciodigital syndrome IV; OFD SYNDROME WITH TIBIAL DEFECTS; OFD SYNDROME, BARAITSER-BURN TYPE; OFDS IV. Identifiers: Orphanet 2753, MedGen C0406727, MONDO:0009794, OMIM 258860.
Joubert syndrome 18 (JBTS18). Identifiers: Orphanet 2754, MedGen C3553758, MONDO:0013896, OMIM 614815.

Allele frequency attached by ClinVar (database versions not stated): 1000 Genomes Project 30x 0.00344; 1000 Genomes Project 0.00359; TOPMed 0.00416; gnomAD 0.00421 and 0.00447; ESP Exome Variant Server 0.00504; gnomAD exomes 0.00642 and 0.00717; ExAC 0.01037.
gnomAD v4.1: 9,723 of 1,551,710 alleles (0.63%); highest among the groups gnomAD compares: South Asian, 1.5%; 63 homozygotes.

Submissions (10):

CeGaT Center for Human Genetics Tuebingen
Classification: Benign. Last evaluated: 2026-06-01. Review status: criteria provided, single submitter. Criteria: CeGaT Center For Human Genetics Tuebingen Variant Classification Criteria Version 2. Collection method: clinical testing. Allele origin: germline. Affected: yes. Observed: 26 variant alleles.
Comment: TCTN3: BP4, BS1, BS2

Labcorp Genetics (formerly Invitae), Labcorp
Classification: Benign for Joubert syndrome 18; Orofacial-digital syndrome IV. Last evaluated: 2026-02-01. Review status: criteria provided, single submitter. Criteria: Invitae Variant Classification Sherloc (09022015). Collection method: clinical testing. Allele origin: germline.

Blueprint Genetics
Classification: Likely benign. Last evaluated: 2024-11-27. Review status: criteria provided, single submitter. Criteria: ACMG Guidelines, 2015. Collection method: clinical testing. Allele origin: germline.

GeneDx
Classification: Benign. Last evaluated: 2017-08-07. Review status: criteria provided, single submitter. Criteria: GeneDx Variant Classification (06012015). Collection method: clinical testing. Allele origin: germline. Affected: yes.
Comment: This variant is considered likely benign or benign based on one or more of the following criteria: it is a conservative change, it occurs at a poorly conserved position in the protein, it is predicted to be benign by multiple in silico algorithms, and/or has population frequency not consistent with disease.

Center for Pediatric Genomic Medicine, Children's Mercy Hospital and Clinics
Classification: Likely benign. Last evaluated: 2016-12-28. Review status: criteria provided, single submitter. Criteria: ACMG Guidelines, 2015. Collection method: clinical testing. Allele origin: germline.
ClinVar note: Converted during submission from Likely Benign to Likely benign.

Genetic Services Laboratory, University of Chicago
Classification: Likely benign. Last evaluated: 2015-12-15. Review status: criteria provided, single submitter. Criteria: ACMG Guidelines, 2015. Collection method: clinical testing. Allele origin: germline. Affected: no.

Breakthrough Genomics
Classification: Likely benign. Review status: criteria provided, single submitter. Criteria: ACMG Guidelines, 2015. Collection method: not provided. Allele origin: germline. Inheritance: Autosomal recessive inheritance. Affected: yes.

PreventionGenetics, part of Exact Sciences
Classification: Benign. Review status: criteria provided, single submitter. Criteria: ACMG Guidelines, 2015. Collection method: clinical testing. Allele origin: germline.

Genome Diagnostics Laboratory, University Medical Center Utrecht
Classification: Benign. Review status: no assertion criteria provided. Collection method: clinical testing. Allele origin: germline. Affected: yes. Study: VKGL Data-share Consensus. Not counted in ClinVar's aggregate classification.

Laboratory of Diagnostic Genome Analysis, Leiden University Medical Center (LUMC)
Classification: Likely benign. Review status: no assertion criteria provided. Collection method: clinical testing. Allele origin: germline. Affected: yes. Study: VKGL Data-share Consensus. Not counted in ClinVar's aggregate classification.

NM_015631.6(TCTN3):c.224C>T (p.Ala75Val)

Genes: TCTN3 (tectonic family member 3; minus strand), LOC130004408 (ATAC-STARR-seq lymphoblastoid active region 3801; plus strand). Cytogenetic location: 10q24.1.
Variant type: single nucleotide variant.
Coding change: c.224C>T on transcript NM_015631.6 (MANE Select); coding-DNA position 224, C replaced by T.
Protein change: p.Ala75Val; replaces alanine 75 with valine.
Molecular consequence: missense variant.
Genome position (GRCh38, 1-based): chr10:95,693,676, G>A on the plus strand (C>T on the coding strand, the complement: TCTN3 is on the minus strand). VCF-style: chr10-95693676-G-A. GRCh37 (hg19) VCF-style: chr10-97453433-G-A.
Other names: c.224C>T, p.Ala75Val (NM_001143973.2); short protein forms A75V.
Identifiers: ClinVar variation 212392 (VCV000212392.47), dbSNP rs41291570, ClinGen allele CA209480.